The following is an entry in ClinVar:

NM_006279.5(ST3GAL3):c.486C>T (p.Ile162=)

Gene: ST3GAL3 (ST3 beta-galactoside alpha-2,3-sialyltransferase 3; plus strand). Cytogenetic location: 1p34.1.
Variant type: single nucleotide variant.
Coding change: c.486C>T on transcript NM_006279.5 (MANE Select); coding-DNA position 486, C replaced by T.
Protein change: p.Ile162=; no amino-acid change (isoleucine 162 retained).
Molecular consequence: synonymous variant. On other transcripts: non-coding transcript variant (7), intron variant (4).
Genome position (GRCh38, 1-based): chr1:43,899,192, C>T. VCF-style: chr1-43899192-C-T. GRCh37 (hg19) VCF-style: chr1-44364864-C-T.
Other names: c.486C>T, p.Ile162= (NM_001270459.2, NM_001350620.2, NM_174966.4); c.393C>T, p.Ile131= (NM_001270460.2); c.438C>T, p.Ile146= (NM_001270461.3, NM_001270464.3, NM_174969.4); c.345C>T, p.Ile115= (NM_001270462.3); c.483C>T, p.Ile161= (NM_001270463.3, NM_001270465.3); c.531C>T, p.Ile177= (NM_001350619.2, NM_174964.4); c.207C>T, p.Ile69= (NM_001350621.2); c.648C>T, p.Ile216= (NM_001363573.2, NM_174968.5); and 6 more.
Identifiers: ClinVar variation 1152786 (VCV001152786.23), dbSNP rs764149445, ClinGen allele CA814720.

ClinVar aggregate classification (germline): Likely benign. Review status: criteria provided, multiple submitters, no conflicts (2 of 4 stars). 2 submissions from 2 submitters: Likely benign (2). Last evaluated 2024-11-01.

Conditions:
Early-infantile DEE. Also called: Ohtahara syndrome; Early infantile epileptic encephalopathy; Early infantile epileptic encephalopathy with suppression bursts. Identifiers: Orphanet 1934, MedGen C0393706, MONDO:0800491.

Allele frequency attached by ClinVar (database versions not stated): gnomAD exomes below 0.00001 and 0.00001; gnomAD 0.00001; ExAC 0.00002; TOPMed 0.00003.
gnomAD v4.1: 9 of 1,614,098 alleles (0.00056%); highest among the groups gnomAD compares: African/African-American, 0.0013%; no homozygotes.

Submissions (2):

CeGaT Center for Human Genetics Tuebingen
Classification: Likely benign. Last evaluated: 2024-11-01. Review status: criteria provided, single submitter. Criteria: CeGaT Center For Human Genetics Tuebingen Variant Classification Criteria Version 2. Collection method: clinical testing. Allele origin: germline. Affected: yes. Observed: 1 variant allele.
Comment: ST3GAL3: BP4, BP7

Labcorp Genetics (formerly Invitae), Labcorp
Classification: Likely benign for Early-infantile DEE. Last evaluated: 2021-03-24. Review status: criteria provided, single submitter. Criteria: Invitae Variant Classification Sherloc (09022015). Collection method: clinical testing. Allele origin: germline.